The following is an entry in ClinVar:

Conditions:
Long QT syndrome 5 (LQT5). Identifiers: Orphanet 101016, Orphanet 768, MedGen C1867904, MONDO:0013372, OMIM 613695.

Submission:

Roden Lab, Vanderbilt University Medical Center
No classification provided (evidence only). Condition: Long QT syndrome 5. Review status: no classification provided. Collection method: in vitro. Allele origin: not applicable. Functional consequence: Effect on ion channel function.
ClinVar note: "not provided" was previously submitted as the classification for the variant. However, the classification appeared to be based only on an observation of functional data so it was converted to no classification on 2025-07-30.

NM_000219.6(KCNE1):c.307T>A (p.Tyr103Asn)

Gene: KCNE1 (potassium voltage-gated channel subfamily E regulatory subunit 1; minus strand). Cytogenetic location: 21q22.12.
Variant type: single nucleotide variant.
Coding change: c.307T>A on transcript NM_000219.6 (MANE Select); coding-DNA position 307, T replaced by A.
Protein change: p.Tyr103Asn; replaces tyrosine 103 with asparagine.
Molecular consequence: missense variant.
Genome position (GRCh38, 1-based): chr21:34,449,328, A>T on the plus strand (T>A on the coding strand, the complement: KCNE1 is on the minus strand). VCF-style: chr21-34449328-A-T. GRCh37 (hg19) VCF-style: chr21-35821626-A-T.
Other names: c.307T>A, p.Tyr103Asn (NM_001127668.4, NM_001127669.4, NM_001127670.4 and 4 more transcripts); short protein forms Y103N.
Identifiers: ClinVar variation 3374592 (VCV003374592.2).